The following is an entry in ClinVar:

NM_024753.5(TTC21B):c.594G>A (p.Leu198=)

Genes: TTC21B (tetratricopeptide repeat domain 21B; minus strand), TTC21B-AS1 (TTC21B antisense RNA 1; plus strand). Cytogenetic location: 2q24.3.
Variant type: single nucleotide variant.
Coding change: c.594G>A on transcript NM_024753.5 (MANE Select); coding-DNA position 594, G replaced by A.
Protein change: p.Leu198=; no amino-acid change (leucine 198 retained).
Molecular consequence: synonymous variant.
Genome position (GRCh38, 1-based): chr2:165,941,143, C>T on the plus strand (G>A on the coding strand, the complement: TTC21B is on the minus strand). VCF-style: chr2-165941143-C-T. GRCh37 (hg19) VCF-style: chr2-166797653-C-T.
Other names: c.594G>A (NM_024753.4).
Identifiers: ClinVar variation 2936065 (VCV002936065.5), dbSNP rs1445114936, ClinGen allele CA429892869.

ClinVar aggregate classification (germline): Likely benign. Review status: criteria provided, multiple submitters, no conflicts (2 of 4 stars). 3 submissions from 3 submitters: Likely benign (3). Last evaluated 2025-06-18.

Conditions:
Jeune thoracic dystrophy. Also called: Jeune syndrome; Infantile thoracic dystrophy; Thoracic pelvic phalangeal dystrophy; Jeune's syndrome; Chondroectodermal dysplasia-like syndrome; Short-rib thoracic dysplasia. Identifiers: Orphanet 474, MedGen C0265275, MONDO:0018770.
Nephronophthisis. Also called: Juvenile Nephronophthisis. Identifiers: Orphanet 655, MedGen C0687120, MONDO:0019005, HP:0000090.
TTC21B-related disorder. Also called: TTC21B-related condition; TTC21B-related disorders.

Allele frequency attached by ClinVar (database versions not stated): gnomAD exomes below 0.00001; TOPMed below 0.00001.
gnomAD v4.1: 6 of 1,613,882 alleles (0.00037%); highest among the groups gnomAD compares: Non-Finnish European, 0.00051%; no homozygotes.

Submissions (3):

PreventionGenetics, part of Exact Sciences
Classification: Likely benign for TTC21B-related condition. Last evaluated: 2025-06-18. Review status: criteria provided, single submitter. Criteria: ACMG Guidelines, 2015. Collection method: clinical testing. Allele origin: germline.
Comment: This variant is classified as likely benign based on ACMG/AMP sequence variant interpretation guidelines (Richards et al. 2015 PMID: 25741868, with internal and published modifications).

Labcorp Genetics (formerly Invitae), Labcorp
Classification: Likely benign for Jeune thoracic dystrophy; Nephronophthisis. Last evaluated: 2023-11-24. Review status: criteria provided, single submitter. Criteria: Invitae Variant Classification Sherloc (09022015). Collection method: clinical testing. Allele origin: germline.

Blueprint Genetics
Classification: Likely benign. Last evaluated: 2021-04-08. Review status: criteria provided, single submitter. Criteria: ACMG Guidelines, 2015. Collection method: clinical testing. Allele origin: germline.